The following is an entry in ClinVar:

ClinVar aggregate classification (germline): Uncertain significance (1 of 4 stars; one submission).

Submission:

GeneDx
Classification: Uncertain significance. Last evaluated: 2024-03-21. Review status: criteria provided, single submitter. Criteria: GeneDx Variant Classification Process June 2021. Collection method: clinical testing. Allele origin: germline. Affected: yes.
Comment: Not observed at significant frequency in large population cohorts (gnomAD); In silico analysis supports that this missense variant has a deleterious effect on protein structure/function; Has not been previously published as pathogenic or benign to our knowledge

NM_006623.4(PHGDH):c.1136T>C (p.Leu379Pro)

Gene: PHGDH (phosphoglycerate dehydrogenase; plus strand). Cytogenetic location: 1p12.
Variant type: single nucleotide variant.
Coding change: c.1136T>C on transcript NM_006623.4 (MANE Select); coding-DNA position 1136, T replaced by C.
Protein change: p.Leu379Pro; replaces leucine 379 with proline.
Molecular consequence: missense variant.
Genome position (GRCh38, 1-based): chr1:119,741,824, T>C. VCF-style: chr1-119741824-T-C. GRCh37 (hg19) VCF-style: chr1-120284447-T-C.
Other names: short protein forms L379P.
Identifiers: ClinVar variation 3370965 (VCV003370965.1).
Genomic context (GRCh38, chr1:119,741,824, plus strand): 5'-CAGGAACATCCCTGAAGAATGCTGGGAACTGCCTAAGCCCCGCAGTCATTGTCGGCCTCC[T>C]GAAAGAGGCTTCCAAGCAGGCGGATGTGAACTTGGTGAACGCTAAGCTGCTGGTGAAAGA-3'
Protein context (NP_006614.2, residues 369-389): CLSPAVIVGL[Leu379Pro]KEASKQADVN